The following is an entry in ClinVar:

ClinVar aggregate classification (germline): Uncertain significance (1 of 4 stars; one submission).

Conditions:
Neuronal ceroid lipofuscinosis 7 (CLN7). Also called: MFSD8-Related Neuronal Ceroid-Lipofuscinosis. Identifiers: Orphanet 168491, Orphanet 228366, MedGen C1838571, MONDO:0012588, OMIM 610951.

Allele frequency attached by ClinVar (database versions not stated): TOPMed below 0.00001; gnomAD 0.00001.
gnomAD v4.1: 1 of 1,614,080 alleles (0.000062%); highest among the groups gnomAD compares: Non-Finnish European, 0.000085%; no homozygotes.

Submission:

Labcorp Genetics (formerly Invitae), Labcorp
Classification: Uncertain significance for Neuronal ceroid lipofuscinosis 7. Last evaluated: 2021-05-27. Review status: criteria provided, single submitter. Criteria: Invitae Variant Classification Sherloc (09022015). Collection method: clinical testing. Allele origin: germline.
Comment: In summary, the available evidence is currently insufficient to determine the role of this variant in disease. Therefore, it has been classified as a Variant of Uncertain Significance. Algorithms developed to predict the effect of missense changes on protein structure and function (SIFT, PolyPhen-2, Align-GVGD) all suggest that this variant is likely to be tolerated, but these predictions have not been confirmed by published functional studies and their clinical significance is uncertain. This variant has not been reported in the literature in individuals with MFSD8-related conditions. This variant is not present in population databases (ExAC no frequency). This sequence change replaces serine with leucine at codon 422 of the MFSD8 protein (p.Ser422Leu). The serine residue is moderately conserved and there is a large physicochemical difference between serine and leucine.

NM_001371596.2(MFSD8):c.1265C>T (p.Ser422Leu)

Gene: MFSD8 (major facilitator superfamily domain containing 8; minus strand). Cytogenetic location: 4q28.2.
Variant type: single nucleotide variant.
Coding change: c.1265C>T on transcript NM_001371596.2 (MANE Select); coding-DNA position 1265, C replaced by T.
Protein change: p.Ser422Leu; replaces serine 422 with leucine.
Molecular consequence: missense variant.
Genome position (GRCh38, 1-based): chr4:127,921,609, G>A on the plus strand (C>T on the coding strand, the complement: MFSD8 is on the minus strand). VCF-style: chr4-127921609-G-A. GRCh37 (hg19) VCF-style: chr4-128842764-G-A.
Other names: c.1064C>T, p.Ser355Leu (NM_001363520.3); c.950C>T, p.Ser317Leu (NM_001363521.3); c.1130C>T, p.Ser377Leu (NM_001371590.2); c.1265C>T, p.Ser422Leu (NM_001371591.2, NM_152778.4); c.1271C>T, p.Ser424Leu (NM_001371592.2); c.1151C>T, p.Ser384Leu (NM_001371593.2); c.1118C>T, p.Ser373Leu (NM_001371594.2); c.983C>T, p.Ser328Leu (NM_001371595.1); and 2 more; short protein forms S422L, S317L, S328L, S355L, S373L, S377L, S384L, S424L.
Identifiers: ClinVar variation 1369280 (VCV001369280.9), dbSNP rs1394582555, ClinGen allele CA358171136.